The following is an entry in ClinVar:

ClinVar aggregate classification (germline): Conflicting classifications of pathogenicity. Review status: criteria provided, conflicting classifications (1 of 4 stars). 3 submissions from 3 submitters: Uncertain significance (2); Likely benign (1). Last evaluated 2025-03-28.

Conditions:
Hereditary cancer-predisposing syndrome. Also called: Neoplastic Syndromes, Hereditary; Tumor predisposition; Hereditary Cancer Syndrome; Hereditary neoplastic syndrome. Identifiers: Orphanet 140162, MedGen C0027672, MeSH D009386, MONDO:0015356.
BAP1-related tumor predisposition syndrome (TPDS1). Also called: Tumor susceptibility linked to germline BAP1 mutations; BAP1 tumor predisposition syndrome; COMMON Syndrome; TUMOR PREDISPOSITION SYNDROME 1. Identifiers: Orphanet 289539, MedGen C3280492, MONDO:0013692, OMIM 614327.

Allele frequency attached by ClinVar (database versions not stated): ExAC 0.00002.

Submissions (3):

GeneDx
Classification: Uncertain significance. Last evaluated: 2025-03-28. Review status: criteria provided, single submitter. Criteria: GeneDx Variant Classification Process June 2021. Collection method: clinical testing. Allele origin: germline. Affected: yes.
Comment: Not observed at significant frequency in large population cohorts (gnomAD); In silico analysis indicates that this missense variant does not alter protein structure/function; Has not been previously published as pathogenic or benign to our knowledge

Ambry Genetics
Classification: Likely benign for Hereditary cancer-predisposing syndrome. Last evaluated: 2024-09-23. Review status: criteria provided, single submitter. Criteria: Ambry Variant Classification Scheme 2023. Collection method: clinical testing. Allele origin: germline.

Labcorp Genetics (formerly Invitae), Labcorp
Classification: Uncertain significance for BAP1-related tumor predisposition syndrome. Last evaluated: 2024-08-08. Review status: criteria provided, single submitter. Criteria: Invitae Variant Classification Sherloc (09022015). Collection method: clinical testing. Allele origin: germline.
Comment: This sequence change replaces valine, which is neutral and non-polar, with leucine, which is neutral and non-polar, at codon 66 of the BAP1 protein (p.Val66Leu). The frequency data for this variant in the population databases is considered unreliable, as metrics indicate poor data quality at this position in the gnomAD database. This variant has not been reported in the literature in individuals affected with BAP1-related conditions. ClinVar contains an entry for this variant (Variation ID: 1783592). Advanced modeling of protein sequence and biophysical properties (such as structural, functional, and spatial information, amino acid conservation, physicochemical variation, residue mobility, and thermodynamic stability) performed at Invitae indicates that this missense variant is not expected to disrupt BAP1 protein function with a negative predictive value of 80%. In summary, the available evidence is currently insufficient to determine the role of this variant in disease. Therefore, it has been classified as a Variant of Uncertain Significance.

NM_004656.4(BAP1):c.196G>C (p.Val66Leu)

Gene: BAP1 (BRCA1 associated deubiquitinase 1; minus strand). Cytogenetic location: 3p21.1.
Variant type: single nucleotide variant.
Coding change: c.196G>C on transcript NM_004656.4 (MANE Select); coding-DNA position 196, G replaced by C.
Protein change: p.Val66Leu; replaces valine 66 with leucine.
Molecular consequence: missense variant.
Genome position (GRCh38, 1-based): chr3:52,408,533, C>G on the plus strand (G>C on the coding strand, the complement: BAP1 is on the minus strand). VCF-style: chr3-52408533-C-G. GRCh37 (hg19) VCF-style: chr3-52442549-C-G.
Other names: c.196G>C, p.Val66Leu (NM_001410772.1); c.196G>C (NM_004656.3); short protein forms V66L.
Identifiers: ClinVar variation 1783592 (VCV001783592.6), dbSNP rs777869443, ClinGen allele CA2437161.